The following is an entry in ClinVar:

ClinVar aggregate classification (germline): Uncertain significance (1 of 4 stars; one submission).

Conditions:
Fanconi anemia (FA). Also called: Fanconi's anemia. Identifiers: Orphanet 84, MedGen C0015625, MeSH D005199, MONDO:0019391.

Submission:

Labcorp Genetics (formerly Invitae), Labcorp
Classification: Uncertain significance for Fanconi anemia. Last evaluated: 2025-09-10. Review status: criteria provided, single submitter. Criteria: Invitae Variant Classification Sherloc (09022015). Collection method: clinical testing. Allele origin: germline.
Comment: This sequence change falls in intron 41 of the FANCD2 gene. It does not directly change the encoded amino acid sequence of the FANCD2 protein. It affects a nucleotide within the consensus splice site. This variant is not present in population databases (gnomAD no frequency). This variant has not been reported in the literature in individuals affected with FANCD2-related conditions. Variants that disrupt the consensus splice site are a relatively common cause of aberrant splicing (PMID: 17576681, 9536098). Algorithms developed to predict the effect of sequence changes on RNA splicing suggest that this variant may disrupt the consensus splice site. In summary, the available evidence is currently insufficient to determine the role of this variant in disease. Therefore, it has been classified as a Variant of Uncertain Significance.

Literature cited by the submitters: PubMed 17576681; PubMed 9536098.

NM_001018115.3(FANCD2):c.4038+3A>G

Genes: FANCD2 (FA complementation group D2; plus strand), FANCD2OS (FANCD2 opposite strand; minus strand). Cytogenetic location: 3p25.3.
Variant type: single nucleotide variant.
Coding change: c.4038+3A>G on transcript NM_001018115.3 (MANE Select); 3 bases into the intron after coding-DNA position 4038, A replaced by G.
Molecular consequence: intron variant.
Genome position (GRCh38, 1-based): chr3:10,095,277, A>G. VCF-style: chr3-10095277-A-G. GRCh37 (hg19) VCF-style: chr3-10136961-A-G.
Other names: c.4038+3A>G (NM_001319984.2, NM_033084.6); c.3927+3A>G (NM_001374253.1); c.3999+3A>G (NM_001374254.1); c.*43+8921T>C (NM_173472.2).
Identifiers: ClinVar variation 4773295 (VCV004773295.1).